The following is an entry in ClinVar:

NM_001366145.2(TRPM3):c.319C>T (p.Gln107Ter)

Gene: TRPM3 (transient receptor potential cation channel subfamily M member 3; minus strand). Cytogenetic location: 9q21.12.
Variant type: single nucleotide variant.
Coding change: c.319C>T on transcript NM_001366145.2 (MANE Select); coding-DNA position 319, C replaced by T.
Protein change: p.Gln107Ter; replaces glutamine 107 with a stop codon.
Molecular consequence: nonsense. On other transcripts: 5 prime UTR variant (9).
Genome position (GRCh38, 1-based): chr9:70,863,051, G>A on the plus strand (C>T on the coding strand, the complement: TRPM3 is on the minus strand). VCF-style: chr9-70863051-G-A. GRCh37 (hg19) VCF-style: chr9-73477967-G-A.
Other names: c.-141C>T (NM_001007470.3, NM_001366154.2, NM_020952.6 and 6 more transcripts); c.319C>T, p.Gln107Ter (NM_001007471.4, NM_001366146.2, NM_001366147.2 and 6 more transcripts); c.325C>T, p.Gln109Ter (NM_001366141.2, NM_001366142.2, NM_001366143.2 and 1 more transcripts); short protein forms Q107*, Q109*.
Identifiers: ClinVar variation 2663420 (VCV002663420.1), dbSNP rs2540396336, ClinGen allele CA373560158.

ClinVar aggregate classification (germline): Uncertain significance (1 of 4 stars; one submission).

Submission:

GeneDx
Classification: Uncertain significance. Last evaluated: 2023-05-02. Review status: criteria provided, single submitter. Criteria: GeneDx Variant Classification Process June 2021. Collection method: clinical testing. Allele origin: germline. Affected: yes.
Comment: Not observed at significant frequency in large population cohorts (gnomAD); Nonsense variant predicted to result in protein truncation or nonsense mediated decay in a gene or region of a gene for which loss of function is not a well-established mechanism of disease; Has not been previously published as pathogenic or benign to our knowledge; Reported using an alternate transcript of the gene